The following is an entry in ClinVar:

NM_001378452.1(ITPR1):c.5800G>A (p.Ala1934Thr)

Gene: ITPR1 (inositol 1,4,5-trisphosphate receptor type 1; plus strand). Cytogenetic location: 3p26.1.
Variant type: single nucleotide variant.
Coding change: c.5800G>A on transcript NM_001378452.1 (MANE Select); coding-DNA position 5800, G replaced by A.
Protein change: p.Ala1934Thr; replaces alanine 1934 with threonine.
Molecular consequence: missense variant.
Genome position (GRCh38, 1-based): chr3:4,768,585, G>A. VCF-style: chr3-4768585-G-A. GRCh37 (hg19) VCF-style: chr3-4810269-G-A.
Other names: c.5656G>A, p.Ala1886Thr (NM_001099952.4); c.5755G>A, p.Ala1919Thr (NM_001168272.2); c.5611G>A, p.Ala1871Thr (NM_002222.7); c.5611G>A (NM_002222.5); short protein forms A1871T, A1886T, A1919T, A1934T.
Identifiers: ClinVar variation 1503944 (VCV001503944.9), dbSNP rs373554736, ClinGen allele CA2232428.
Genomic context (GRCh38, chr3:4,768,585, plus strand): 5'-ACACAGATAACAGAAGAGGTCCGGGATCAGCTCCTGGAGGCCTCCGCTGCCACCAGGAAA[G>A]CCTTCACCACTTTCAGGAGGGAGGCTGATCCCGACGACCACTACCAGCCTGGAGAGGGCA-3'
Protein context (NP_001365381.1, residues 1924-1944): LLEASAATRK[Ala1934Thr]FTTFRREADP

ClinVar aggregate classification (germline): Uncertain significance. Review status: criteria provided, multiple submitters, no conflicts (2 of 4 stars). 2 submissions from 2 submitters: Uncertain significance (2). Last evaluated 2024-05-01.

Conditions:
Inborn genetic diseases. Identifiers: MedGen C0950123, MeSH D030342.

Allele frequency attached by ClinVar (database versions not stated): ExAC 0.00002; gnomAD 0.00003 and 0.00004; gnomAD exomes 0.00003 and 0.00006; TOPMed 0.00003; ESP Exome Variant Server 0.00016.
gnomAD v4.1: 91 of 1,613,906 alleles (0.0056%); highest among the groups gnomAD compares: Non-Finnish European, 0.0075%; no homozygotes.

Submissions (2):

Ambry Genetics
Classification: Uncertain significance for Inborn genetic diseases. Last evaluated: 2024-05-01. Review status: criteria provided, single submitter. Criteria: Ambry Variant Classification Scheme 2023. Collection method: clinical testing. Allele origin: germline.

Labcorp Genetics (formerly Invitae), Labcorp
Classification: Uncertain significance. Last evaluated: 2022-07-25. Review status: criteria provided, single submitter. Criteria: Invitae Variant Classification Sherloc (09022015). Collection method: clinical testing. Allele origin: germline.
Comment: This variant is present in population databases (rs373554736, gnomAD 0.006%). In summary, the available evidence is currently insufficient to determine the role of this variant in disease. Therefore, it has been classified as a Variant of Uncertain Significance. Algorithms developed to predict the effect of missense changes on protein structure and function are either unavailable or do not agree on the potential impact of this missense change (SIFT: "Deleterious"; PolyPhen-2: "Possibly Damaging"; Align-GVGD: "Class C0"). ClinVar contains an entry for this variant (Variation ID: 1503944). This variant has not been reported in the literature in individuals affected with ITPR1-related conditions. This sequence change replaces alanine, which is neutral and non-polar, with threonine, which is neutral and polar, at codon 1871 of the ITPR1 protein (p.Ala1871Thr).